The following is an entry in ClinVar:

ClinVar aggregate classification (germline): Uncertain significance. Review status: criteria provided, multiple submitters, no conflicts (2 of 4 stars). 4 submissions from 4 submitters: Uncertain significance (4). Last evaluated 2024-02-09.

Conditions:
Hereditary cancer-predisposing syndrome. Also called: Hereditary Cancer Syndrome; Hereditary neoplastic syndrome; Neoplastic Syndromes, Hereditary; Tumor predisposition. Identifiers: Orphanet 140162, MedGen C0027672, MeSH D009386, MONDO:0015356.
Hereditary breast ovarian cancer syndrome. Also called: BRCA1- and BRCA2-Associated Hereditary Breast and Ovarian Cancer; Hereditary breast and ovarian cancer syndrome (HBOC); Hereditary breast and ovarian cancer syndrome; Breast and ovarian cancer; Hereditary breast and ovarian cancer; Hereditary breast and/or ovarian cancer syndrome. Identifiers: Orphanet 145, MedGen C0677776, MeSH D061325, MONDO:0003582. Disease mechanism: loss of function.
Familial cancer of breast. Also called: hereditary breast carcinoma; BREAST CANCER, FAMILIAL; Hereditary breast cancer. Identifiers: Orphanet 227535, MedGen C0346153, MONDO:0016419, OMIM 114480. Disease mechanism: loss of function.
Breast-ovarian cancer, familial, susceptibility to, 1 (BROVCA1). Also called: OVARIAN CANCER, SUSCEPTIBILITY TO; BRCA1 Hereditary Breast and Ovarian Cancer. Identifiers: Orphanet 145, MedGen C2676676, MONDO:0011450, OMIM 604370. Disease mechanism: loss of function.

Submissions (4):

MGZ Medical Genetics Center
Classification: Uncertain significance for Familial cancer of breast. Last evaluated: 2024-02-09. Review status: criteria provided, single submitter. Criteria: CSpec BRCA1/2ACMG Rules Specifications V1.1.0. Collection method: clinical testing. Allele origin: germline. Affected: yes.
Comment: ACMG codes applied following ENIGMA VCEP rules: PM2_SUP

Baylor Genetics
Classification: Uncertain significance for Breast-ovarian cancer, familial, susceptibility to, 1. Last evaluated: 2023-12-17. Review status: criteria provided, single submitter. Criteria: ACMG Guidelines, 2015. Collection method: clinical testing. Allele origin: unknown.

Ambry Genetics
Classification: Uncertain significance for Hereditary cancer-predisposing syndrome. Last evaluated: 2022-06-06. Review status: criteria provided, single submitter. Criteria: Ambry Variant Classification Scheme 2023. Collection method: clinical testing. Allele origin: germline.
Comment: The p.D1482G variant (also known as c.4445A>G), located in coding exon 12 of the BRCA1 gene, results from an A to G substitution at nucleotide position 4445. The aspartic acid at codon 1482 is replaced by glycine, an amino acid with similar properties. In one study, this variant was observed in 1/1525 unrelated patients who had BRCA1/2 genetic testing due to a personal and/or family history suspicious for Hereditary Breast and/or Ovarian Cancer (Caux-Moncoutier V et al. Hum. Mutat., 2011 Mar;32:325-34). This amino acid position is not well conserved in available vertebrate species. In addition, this alteration is predicted to be tolerated by in silico analysis. Since supporting evidence is limited at this time, the clinical significance of this alteration remains unclear.

Labcorp Genetics (formerly Invitae), Labcorp
Classification: Uncertain significance for Hereditary breast ovarian cancer syndrome. Last evaluated: 2021-07-19. Review status: criteria provided, single submitter. Criteria: Invitae Variant Classification Sherloc (09022015). Collection method: clinical testing. Allele origin: germline.
Comment: This variant has been observed in individual(s) with clinical features of hereditary breast and ovarian cancer syndrome (PMID: 21120943). ClinVar contains an entry for this variant (Variation ID: 808278). This variant is not present in population databases (ExAC no frequency). This sequence change replaces aspartic acid with glycine at codon 1482 of the BRCA1 protein (p.Asp1482Gly). The aspartic acid residue is moderately conserved and there is a moderate physicochemical difference between aspartic acid and glycine. Algorithms developed to predict the effect of missense changes on protein structure and function output the following: SIFT: "Tolerated"; PolyPhen-2: "Benign"; Align-GVGD: "Class C0". The glycine amino acid residue is found in multiple mammalian species, suggesting that this missense change does not adversely affect protein function. These predictions have not been confirmed by published functional studies and their clinical significance is uncertain. In summary, the available evidence is currently insufficient to determine the role of this variant in disease. Therefore, it has been classified as a Variant of Uncertain Significance. Algorithms developed to predict the effect of sequence changes on RNA splicing suggest that this variant may create or strengthen a splice site, but this prediction has not been confirmed by published transcriptional studies.

Literature cited by the submitters: PubMed 21120943 (cited by Ambry Genetics and Labcorp Genetics (formerly Invitae), Labcorp).

NM_007294.4(BRCA1):c.4445A>G (p.Asp1482Gly)

Gene: BRCA1 (BRCA1 DNA repair associated; minus strand). Cytogenetic location: 17q21.31.
Variant type: single nucleotide variant.
Coding change: c.4445A>G on transcript NM_007294.4 (MANE Select); coding-DNA position 4445, A replaced by G.
Protein change: p.Asp1482Gly; replaces aspartic acid 1482 with glycine.
Molecular consequence: missense variant. On other transcripts: non-coding transcript variant (1).
Genome position (GRCh38, 1-based): chr17:43,076,527, T>C on the plus strand (A>G on the coding strand, the complement: BRCA1 is on the minus strand). VCF-style: chr17-43076527-T-C. GRCh37 (hg19) VCF-style: chr17-41228544-T-C.
Other names: c.4232A>G, p.Asp1411Gly (NM_001407571.1, NM_001407894.1, NM_001407895.1 and 12 more transcripts); c.4511A>G, p.Asp1504Gly (NM_001407581.1, NM_001407582.1); c.4508A>G, p.Asp1503Gly (NM_001407583.1, NM_001407585.1, NM_001407587.1 and 1 more transcripts); c.4505A>G, p.Asp1502Gly (NM_001407590.1, NM_001407591.1); c.4445A>G, p.Asp1482Gly (NM_001407593.1, NM_001407594.1, NM_001407596.1 and 8 more transcripts); c.4442A>G, p.Asp1481Gly (NM_001407610.1, NM_001407621.1, NM_001407622.1 and 17 more transcripts); c.4439A>G, p.Asp1480Gly (NM_001407627.1, NM_001407628.1, NM_001407629.1 and 14 more transcripts); c.4436A>G, p.Asp1479Gly (NM_001407644.1, NM_001407645.1); and 68 more; short protein forms D1482G, D1503G, D378G, D1435G, D312G, D332G, D336G, D353G.
Identifiers: ClinVar variation 808278 (VCV000808278.27), dbSNP rs757726297, ClinGen allele CA10592645.